The following is an entry in ClinVar:

NM_006180.6(NTRK2):c.1664T>C (p.Val555Ala)

Gene: NTRK2 (neurotrophic receptor tyrosine kinase 2; plus strand). Cytogenetic location: 9q21.33.
Variant type: single nucleotide variant.
Coding change: c.1664T>C on transcript NM_006180.6 (MANE Select); coding-DNA position 1664, T replaced by C.
Protein change: p.Val555Ala; replaces valine 555 with alanine.
Molecular consequence: missense variant.
Genome position (GRCh38, 1-based): chr9:84,934,192, T>C. VCF-style: chr9-84934192-T-C. GRCh37 (hg19) VCF-style: chr9-87549107-T-C.
Other names: c.1616T>C, p.Val539Ala (NM_001018064.3, NM_001369532.1, NM_001369533.1); c.1580T>C, p.Val527Ala (NM_001369534.1); c.1148T>C, p.Val383Ala (NM_001369535.1); c.1196T>C, p.Val399Ala (NM_001369536.1); c.1664T>C, p.Val555Ala (NM_001381928.1); short protein forms V383A, V399A, V527A, V539A, V555A.
Identifiers: ClinVar variation 1720533 (VCV001720533.5), dbSNP rs2132718687, ClinGen allele CA374006316.
Genomic context (GRCh38, chr9:84,934,192, plus strand): 5'-TCCAATTTCCATTCTGTCTTTGTTTTGCAGTTGTTCAGCACATCAAGCGACATAACATTG[T>C]TCTGAAAAGGGAGCTAGGCGAAGGAGCCTTTGGAAAAGTGTTCCTAGCTGAATGCTATAA-3'
Protein context (NP_006171.2, residues 545-565): FVQHIKRHNI[Val555Ala]LKRELGEGAF

ClinVar aggregate classification (germline): Uncertain significance (1 of 4 stars; one submission).

Allele frequency attached by ClinVar (database versions not stated): gnomAD exomes below 0.00001.
gnomAD v4.1: 1 of 1,614,050 alleles (0.000062%); highest among the groups gnomAD compares: Non-Finnish European, 0.000085%; no homozygotes.

Submission:

Labcorp Genetics (formerly Invitae), Labcorp
Classification: Uncertain significance. Last evaluated: 2022-09-27. Review status: criteria provided, single submitter. Criteria: Invitae Variant Classification Sherloc (09022015). Collection method: clinical testing. Allele origin: germline.
Comment: In summary, the available evidence is currently insufficient to determine the role of this variant in disease. Therefore, it has been classified as a Variant of Uncertain Significance. Advanced modeling of protein sequence and biophysical properties (such as structural, functional, and spatial information, amino acid conservation, physicochemical variation, residue mobility, and thermodynamic stability) performed at Invitae indicates that this missense variant is not expected to disrupt NTRK2 protein function. This variant has not been reported in the literature in individuals affected with NTRK2-related conditions. This variant is not present in population databases (gnomAD no frequency). This sequence change replaces valine, which is neutral and non-polar, with alanine, which is neutral and non-polar, at codon 555 of the NTRK2 protein (p.Val555Ala).